The following is an entry in ClinVar:

NM_015158.5(KANK1):c.3050C>G (p.Ser1017Cys)

Gene: KANK1 (KN motif and ankyrin repeat domains 1; plus strand). Cytogenetic location: 9p24.3.
Variant type: single nucleotide variant.
Coding change: c.3050C>G on transcript NM_015158.5 (MANE Select); coding-DNA position 3050, C replaced by G.
Protein change: p.Ser1017Cys; replaces serine 1017 with cysteine.
Molecular consequence: missense variant. On other transcripts: intron variant (5).
Genome position (GRCh38, 1-based): chr9:732,422, C>G. VCF-style: chr9-732422-C-G. GRCh37 (hg19) VCF-style: chr9-732422-C-G.
Other names: c.2576C>G, p.Ser859Cys (NM_153186.6, NM_001354333.2, NM_001354335.2 and 2 more transcripts); c.3005+1156C>G (NM_001354331.2); c.2477+1156C>G (NM_001354336.2); c.2531+1156C>G (NM_001354339.2, NM_001354343.2, NM_001354342.2); c.3050C>G, p.Ser1017Cys (NM_001256876.3, NM_001256877.3, NM_001354334.2); c.2996C>G, p.Ser999Cys (NM_001354332.2); c.2522C>G, p.Ser841Cys (NM_001354338.2, NM_001354340.2, NM_001354344.2); c.3050C>G (NM_015158.2); short protein forms S1017C, S999C, S841C, S859C.
Identifiers: ClinVar variation 2972752 (VCV002972752.4), dbSNP rs767597016, ClinGen allele CA4960756.

ClinVar aggregate classification (germline): Conflicting classifications of pathogenicity. Review status: criteria provided, conflicting classifications (1 of 4 stars). 2 submissions from 2 submitters: Uncertain significance (1); Likely benign (1). Last evaluated 2025-02-14.

Allele frequency attached by ClinVar (database versions not stated): ExAC 0.00002.
gnomAD v4.1: 23 of 1,614,000 alleles (0.0014%); highest among the groups gnomAD compares: African/African-American, 0.024%; no homozygotes.

Submissions (2):

Ambry Genetics
Classification: Likely benign. Last evaluated: 2025-02-14. Review status: criteria provided, single submitter. Criteria: Ambry Variant Classification Scheme 2023. Collection method: clinical testing. Allele origin: germline.

Labcorp Genetics (formerly Invitae), Labcorp
Classification: Uncertain significance. Last evaluated: 2023-05-20. Review status: criteria provided, single submitter. Criteria: Invitae Variant Classification Sherloc (09022015). Collection method: clinical testing. Allele origin: germline.
Comment: Advanced modeling of protein sequence and biophysical properties (such as structural, functional, and spatial information, amino acid conservation, physicochemical variation, residue mobility, and thermodynamic stability) performed at Invitae indicates that this missense variant is expected to disrupt KANK1 protein function. In summary, the available evidence is currently insufficient to determine the role of this variant in disease. Therefore, it has been classified as a Variant of Uncertain Significance. This variant has not been reported in the literature in individuals affected with KANK1-related conditions. This variant is present in population databases (rs767597016, gnomAD 0.02%). This sequence change replaces serine, which is neutral and polar, with cysteine, which is neutral and slightly polar, at codon 1017 of the KANK1 protein (p.Ser1017Cys).